The following is an entry in ClinVar:

NM_001308093.3(GATA4):c.48_71del (p.Tyr18_Ala25del)

Gene: GATA4 (GATA binding protein 4). Cytogenetic location: 8p23.1.
Variant type: Deletion.
Coding change: c.48_71del on transcript NM_001308093.3 (MANE Select); coding-DNA positions 48 to 71, 24 bases deleted.
Protein change: p.Tyr18_Ala25del.
Molecular consequence: inframe deletion. On other transcripts: intron variant (3).
Genome position: GRCh38 VCF-style: chr8-11708353-CCCCCGGTGCCTACGAGGCGGGCGG-C. GRCh37 (hg19) VCF-style: chr8-11565862-CCCCCGGTGCCTACGAGGCGGGCGG-C.
Other names: c.48_71del, p.Tyr18_Ala25del (NM_002052.5); c.-6+7582_-6+7605del (NM_001308094.2); c.-3+346_-3+369del (NM_001374274.1); c.-3+4056_-3+4079del (NM_001374273.1); c.48_71delTGCCTACGAGGCGGGCGGCCCCGG (NM_002052.3); c.48_71del (NM_002052.3).
Identifiers: ClinVar variation 946748 (VCV000946748.11), dbSNP rs1453901762, ClinGen allele CA580031684.

ClinVar aggregate classification (germline): Conflicting classifications of pathogenicity. Review status: criteria provided, conflicting classifications (1 of 4 stars). 2 submissions from 2 submitters: Pathogenic (1); Uncertain significance (1). Last evaluated 2026-02-16.

Conditions:
Atrioventricular septal defect 4 (AVSD4). Identifiers: MedGen C3280781, MONDO:0013747, OMIM 614430.

Submissions (2):

GeneDx
Classification: Uncertain significance. Last evaluated: 2026-02-16. Review status: criteria provided, single submitter. Criteria: GeneDx Variant Classification Process June 2021. Collection method: clinical testing. Allele origin: germline.
Comment: Has not been previously published as pathogenic or benign to our knowledge; Not observed at significant frequency in large population cohorts (gnomAD); In-frame deletion of 8 amino acids in a non-repeat region; In silico analysis supports a deleterious effect on protein structure/function

Labcorp Genetics (formerly Invitae), Labcorp
Classification: Pathogenic for Atrioventricular septal defect 4. Last evaluated: 2023-07-14. Review status: criteria provided, single submitter. Criteria: Invitae Variant Classification Sherloc (09022015). Collection method: clinical testing. Allele origin: germline.
Comment: For these reasons, this variant has been classified as Pathogenic. This variant disrupts a region of the GATA4 protein in which other variant(s) (p.Gly21Val) have been determined to be pathogenic (PMID: 21055141, 21373748). This suggests that this is a clinically significant region of the protein, and that variants that disrupt it are likely to be disease-causing. ClinVar contains an entry for this variant (Variation ID: 946748). This variant has not been reported in the literature in individuals affected with GATA4-related conditions. This variant is present in population databases (no rsID available, gnomAD 0.005%). This variant, c.48_71del, results in the deletion of 8 amino acid(s) of the GATA4 protein (p.Tyr18_Ala25del), but otherwise preserves the integrity of the reading frame.

Literature cited by the submitters: PubMed 21055141 (cited by Labcorp Genetics (formerly Invitae), Labcorp); PubMed 21373748 (cited by Labcorp Genetics (formerly Invitae), Labcorp).